The following is an entry in ClinVar:

NM_001267550.2(TTN):c.101629C>A (p.His33877Asn)

Genes: TTN-AS1 (TTN antisense RNA 1; plus strand), TTN (titin; minus strand). Cytogenetic location: 2q31.2.
Variant type: single nucleotide variant.
Coding change: c.101629C>A on transcript NM_001267550.2 (MANE Select); coding-DNA position 101629, C replaced by A.
Protein change: p.His33877Asn; replaces histidine 33877 with asparagine.
Molecular consequence: missense variant.
Genome position (GRCh38, 1-based): chr2:178,534,986, G>T on the plus strand (C>A on the coding strand, the complement: TTN is on the minus strand). VCF-style: chr2-178534986-G-T. GRCh37 (hg19) VCF-style: chr2-179399713-G-T.
Other names: c.96706C>A, p.His32236Asn (NM_001256850.1); c.74434C>A, p.His24812Asn (NM_003319.4); c.93925C>A, p.His31309Asn (NM_133378.4); c.74809C>A, p.His24937Asn (NM_133432.3); c.75010C>A, p.His25004Asn (NM_133437.4); short protein forms H24812N, H24937N, H25004N, H31309N, H32236N, H33877N.
Identifiers: ClinVar variation 1015318 (VCV001015318.9), dbSNP rs1690786587, ClinGen allele CA349420148.
Genomic context (GRCh38, chr2:178,534,986, plus strand): 5'-CTGATATAAACTCAAAGATCATAACTAATTCTTCCATGCTTTCAAATGATTCATGGAGGT[G>T]TAAGATGTTTCTATGCCTAGCAATATTCAGAATGGAAATTTCCTTCTTTACCAAAACCTG-3'
Protein context (NP_001254479.2, residues 33867-33887): LNIARHRNIL[His33877Asn]LHESFESMEE

ClinVar aggregate classification (germline): Uncertain significance (1 of 4 stars; one submission).

Conditions:
Dilated cardiomyopathy 1G (CMD1G). Identifiers: Orphanet 154, MedGen C1858763, MONDO:0011400, OMIM 604145.
Autosomal recessive limb-girdle muscular dystrophy type 2J (LGMDR10). Also called: Limb-girdle muscular dystrophy, type 2J; MUSCULAR DYSTROPHY, LIMB-GIRDLE, AUTOSOMAL RECESSIVE 10. Identifiers: Orphanet 140922, MedGen C1837342, MONDO:0012127, OMIM 608807.

gnomAD v4.1: 1 of 1,613,620 alleles (0.000062%); highest among the groups gnomAD compares: African/African-American, 0.0013%; no homozygotes.

Submission:

Labcorp Genetics (formerly Invitae), Labcorp
Classification: Uncertain significance for Dilated cardiomyopathy 1G; Autosomal recessive limb-girdle muscular dystrophy type 2J. Last evaluated: 2023-08-17. Review status: criteria provided, single submitter. Criteria: Invitae Variant Classification Sherloc (09022015). Collection method: clinical testing. Allele origin: germline.
Comment: This sequence change replaces histidine, which is basic and polar, with asparagine, which is neutral and polar, at codon 33877 of the TTN protein (p.His33877Asn). In summary, the available evidence is currently insufficient to determine the role of this variant in disease. Therefore, it has been classified as a Variant of Uncertain Significance. This variant is located in the M band of TTN (PMID: 25589632). Variants in this region may be relevant for neuromuscular disorders, but have not been definitively shown to cause cardiomyopathy (PMID: 23975875). Experimental studies and prediction algorithms are not available or were not evaluated, and the functional significance of this variant is currently unknown. ClinVar contains an entry for this variant (Variation ID: 1015318). This variant has not been reported in the literature in individuals affected with TTN-related conditions. This variant is not present in population databases (gnomAD no frequency).

Literature cited by the submitters: PubMed 25589632; PubMed 23975875.